The following is an entry in ClinVar:

Conditions:
Breast-ovarian cancer, familial, susceptibility to, 1 (BROVCA1). Also called: BRCA1 Hereditary Breast and Ovarian Cancer; OVARIAN CANCER, SUSCEPTIBILITY TO. Identifiers: Orphanet 145, MedGen C2676676, MONDO:0011450, OMIM 604370. Disease mechanism: loss of function.

Submission:

Brotman Baty Institute, University of Washington
No classification provided (evidence only). Condition: Breast-ovarian cancer, familial 1. Review status: no classification provided. Collection method: in vitro. Allele origin: not applicable. Functional consequence: functionally_normal.
ClinVar note: "not provided" was previously submitted as the classification for the variant. However, the classification appeared to be based only on an observation of functional data so it was converted to no classification on 2025-07-30.

NM_007294.4(BRCA1):c.228T>A (p.Ser76Arg)

Gene: BRCA1 (BRCA1 DNA repair associated; minus strand). Cytogenetic location: 17q21.31.
Variant type: single nucleotide variant.
Coding change: c.228T>A on transcript NM_007294.4 (MANE Select); coding-DNA position 228, T replaced by A.
Protein change: p.Ser76Arg; replaces serine 76 with arginine.
Molecular consequence: missense variant. On other transcripts: non-coding transcript variant (1).
Genome position (GRCh38, 1-based): chr17:43,104,941, A>T on the plus strand (T>A on the coding strand, the complement: BRCA1 is on the minus strand). VCF-style: chr17-43104941-A-T. GRCh37 (hg19) VCF-style: chr17-41256958-A-T.
Other names: c.87T>A, p.Ser29Arg (NM_001408456.1, NM_001408457.1, NM_001408458.1 and 99 more transcripts); c.228T>A, p.Ser76Arg (NM_001408472.1, NM_001408473.1, NM_001408494.1 and 168 more transcripts); c.150T>A, p.Ser50Arg (NM_001408474.1, NM_001408475.1, NM_001408476.1 and 21 more transcripts); c.18T>A, p.Ser6Arg (NM_001408478.1, NM_001408479.1, NM_001408480.1 and 58 more transcripts); c.-154T>A (NM_001408510.1, NM_001408512.1, NM_001407959.1 and 4 more transcripts); c.96T>A, p.Ser32Arg (NM_001408451.1); short protein forms S29R, S76R, S32R, S50R, S6R.
Identifiers: ClinVar variation 865299 (VCV000865299.3), dbSNP rs1597898400, ClinGen allele CA10601704.